The following is an entry in ClinVar:

ClinVar aggregate classification (germline): Uncertain significance (1 of 4 stars; one submission).

Conditions:
Cystic fibrosis (CF). Also called: MUCOVISCIDOSIS. Identifiers: Orphanet 586, MedGen C0010674, MONDO:0009061, OMIM 219700. Disease mechanism: loss of function.

Allele frequency attached by ClinVar (database versions not stated): gnomAD exomes below 0.00001.
gnomAD v4.1: 1 of 1,614,004 alleles (0.000062%); highest among the groups gnomAD compares: Non-Finnish European, 0.000085%; no homozygotes.

Submission:

Labcorp Genetics (formerly Invitae), Labcorp
Classification: Uncertain significance for Cystic fibrosis. Last evaluated: 2021-08-20. Review status: criteria provided, single submitter. Criteria: Invitae Variant Classification Sherloc (09022015). Collection method: clinical testing. Allele origin: germline.
Comment: This sequence change replaces glycine with arginine at codon 646 of the CFTR protein (p.Gly646Arg). The glycine residue is moderately conserved and there is a moderate physicochemical difference between glycine and arginine. This variant is not present in population databases (ExAC no frequency). This variant has not been reported in the literature in individuals affected with CFTR-related conditions. Algorithms developed to predict the effect of missense changes on protein structure and function are either unavailable or do not agree on the potential impact of this missense change (SIFT: "Deleterious"; PolyPhen-2: "Possibly Damaging"; Align-GVGD: "Class C0"). In summary, the available evidence is currently insufficient to determine the role of this variant in disease. Therefore, it has been classified as a Variant of Uncertain Significance.

NM_000492.4(CFTR):c.1936G>A (p.Gly646Arg)

Gene: CFTR (CF transmembrane conductance regulator; plus strand). Cytogenetic location: 7q31.2.
Variant type: single nucleotide variant.
Coding change: c.1936G>A on transcript NM_000492.4 (MANE Select); coding-DNA position 1936, G replaced by A.
Protein change: p.Gly646Arg; replaces glycine 646 with arginine.
Molecular consequence: missense variant.
Genome position (GRCh38, 1-based): chr7:117,592,103, G>A. VCF-style: chr7-117592103-G-A. GRCh37 (hg19) VCF-style: chr7-117232157-G-A.
Other names: short protein forms G646R.
Identifiers: ClinVar variation 938676 (VCV000938676.4), dbSNP rs1562907873, ClinGen allele CA368978889.